The following is an entry in ClinVar:

NM_004984.4(KIF5A):c.2006C>A (p.Ala669Asp)

Gene: KIF5A (kinesin family member 5A; plus strand). Cytogenetic location: 12q13.3.
Variant type: single nucleotide variant.
Coding change: c.2006C>A on transcript NM_004984.4 (MANE Select); coding-DNA position 2006, C replaced by A.
Protein change: p.Ala669Asp; replaces alanine 669 with aspartic acid.
Molecular consequence: missense variant.
Genome position (GRCh38, 1-based): chr12:57,575,740, C>A. VCF-style: chr12-57575740-C-A. GRCh37 (hg19) VCF-style: chr12-57969523-C-A.
Other names: c.1739C>A, p.Ala580Asp (NM_001354705.2); short protein forms A669D, A580D.
Identifiers: ClinVar variation 246513 (VCV000246513.7), dbSNP rs753975521, ClinGen allele CA6652964.
Genomic context (GRCh38, chr12:57,575,740, plus strand): 5'-GCGTGGAGCTAAAGAAGCGGCACCTGGAAGAGTCCTATGACTCCTTGAGCGATGAGCTGG[C>A]CAAGCTCCAGGCCCAGGGTGAGGCCTTCTTATACCTCCATCCCACTGTCCAGGGCAGAAA-3'
Protein context (NP_004975.2, residues 659-679): ESYDSLSDEL[Ala669Asp]KLQAQETVHE

ClinVar aggregate classification (germline): Uncertain significance. Review status: criteria provided, multiple submitters, no conflicts (2 of 4 stars). 2 submissions from 2 submitters: Uncertain significance (2). Last evaluated 2025-12-24.

Conditions:
Spastic paraplegia. Identifiers: MedGen C0037772, HP:0001258.

Allele frequency attached by ClinVar (database versions not stated): ExAC 0.00002; gnomAD 0.00002; TOPMed 0.00003.
gnomAD v4.1: 77 of 1,613,346 alleles (0.0048%); highest among the groups gnomAD compares: Non-Finnish European, 0.0063%; no homozygotes.

Submissions (2):

Labcorp Genetics (formerly Invitae), Labcorp
Classification: Uncertain significance for Spastic paraplegia. Last evaluated: 2025-12-24. Review status: criteria provided, single submitter. Criteria: Invitae Variant Classification Sherloc (09022015). Collection method: clinical testing. Allele origin: germline.
Comment: This sequence change replaces alanine, which is neutral and non-polar, with aspartic acid, which is acidic and polar, at codon 669 of the KIF5A protein (p.Ala669Asp). This variant is present in population databases (rs753975521, gnomAD 0.008%). This variant has not been reported in the literature in individuals affected with KIF5A-related conditions. ClinVar contains an entry for this variant (Variation ID: 246513). Invitae Evidence Modeling of protein sequence and biophysical properties (such as structural, functional, and spatial information, amino acid conservation, physicochemical variation, residue mobility, and thermodynamic stability) has been performed for this missense variant. However, the output from this modeling did not meet the statistical confidence thresholds required to predict the impact of this variant on KIF5A protein function. In summary, the available evidence is currently insufficient to determine the role of this variant in disease. Therefore, it has been classified as a Variant of Uncertain Significance.

GeneDx
Classification: Uncertain significance. Last evaluated: 2017-06-14. Review status: criteria provided, single submitter. Criteria: GeneDx Variant Classification (06012015). Collection method: clinical testing. Allele origin: germline. Affected: yes.
Comment: The A669D variant has not been published as a pathogenic variant, nor has it been reported as a benign variant to our knowledge. The A669D variant is observed in 1/10396 (0.01%) alleles from individuals of African background (Lek et al., 2016; 1000 Genomes Consortium et al., 2015; Exome Variant Server). The A669D variant is a non-conservative amino acid substitution, which is likely to impact secondary protein structure as these residues differ in polarity, charge, size and/or other properties. This substitution occurs at a position that is conserved across species, and in silico analysis predicts this variant is probably damaging to the protein structure/function. Therefore, based on the currently available information, it is unclear whether this variant is a pathogenic variant or a rare benign variant.